The following is an entry in ClinVar:

NM_003072.5(SMARCA4):c.3381T>C (p.Asp1127=)

Gene: SMARCA4 (SWI/SNF related BAF chromatin remodeling complex subunit ATPase 4; plus strand). Cytogenetic location: 19p13.2.
Variant type: single nucleotide variant.
Coding change: c.3381T>C on transcript NM_003072.5 (MANE Select); coding-DNA position 3381, T replaced by C.
Protein change: p.Asp1127=; no amino-acid change (aspartic acid 1127 retained).
Molecular consequence: synonymous variant. On other transcripts: non-coding transcript variant (1).
Genome position (GRCh38, 1-based): chr19:11,027,949, T>C. VCF-style: chr19-11027949-T-C. GRCh37 (hg19) VCF-style: chr19-11138625-T-C.
Other names: c.3381T>C, p.Asp1127= (NM_001128844.3, NM_001128845.2, NM_001128846.2 and 6 more transcripts); c.3381T>C (NM_001128849.1).
Identifiers: ClinVar variation 2182964 (VCV002182964.5), dbSNP rs1332046778, ClinGen allele CA505491858.
Genomic context (GRCh38, chr19:11,027,949, plus strand): 5'-CCTCATGACCATCATGGAAGATTACTTTGCGTATCGCGGCTTTAAATACCTCAGGCTTGA[T>C]GGTGAGTATGAGCCAGTGAGGCGTTTCTTACAGGGTTTTGTTGTTGTGGCTGCCACAGAA-3'
Protein context (NP_003063.2, residues 1117-1137): AYRGFKYLRL[Asp1127=]GTTKAEDRGM

ClinVar aggregate classification (germline): Conflicting classifications of pathogenicity. Review status: criteria provided, conflicting classifications (1 of 4 stars). 2 submissions from 2 submitters: Uncertain significance (1); Likely benign (1). Last evaluated 2025-01-30.

Conditions:
Rhabdoid tumor predisposition syndrome 2 (RTPS2). Identifiers: Orphanet 231108, Orphanet 69077, MedGen C2750074, MONDO:0013224, OMIM 613325.
Hereditary cancer-predisposing syndrome. Also called: Hereditary Cancer Syndrome; Neoplastic Syndromes, Hereditary; Tumor predisposition; Hereditary neoplastic syndrome. Identifiers: Orphanet 140162, MedGen C0027672, MeSH D009386, MONDO:0015356.

Submissions (2):

Ambry Genetics
Classification: Likely benign for Hereditary cancer-predisposing syndrome. Last evaluated: 2025-01-30. Review status: criteria provided, single submitter. Criteria: Ambry Variant Classification Scheme 2023. Collection method: clinical testing. Allele origin: germline.

Labcorp Genetics (formerly Invitae), Labcorp
Classification: Uncertain significance for Rhabdoid tumor predisposition syndrome 2. Last evaluated: 2022-06-03. Review status: criteria provided, single submitter. Criteria: Invitae Variant Classification Sherloc (09022015). Collection method: clinical testing. Allele origin: germline.
Comment: Algorithms developed to predict the effect of sequence changes on RNA splicing suggest that this variant is not likely to affect RNA splicing. In summary, the available evidence is currently insufficient to determine the role of this variant in disease. Therefore, it has been classified as a Variant of Uncertain Significance. This variant has not been reported in the literature in individuals affected with SMARCA4-related conditions. This variant is present in population databases (no rsID available, gnomAD 0.0009%). This sequence change affects codon 1127 of the SMARCA4 mRNA. It is a 'silent' change, meaning that it does not change the encoded amino acid sequence of the SMARCA4 protein. It affects a nucleotide within the consensus splice site.